The following is an entry in ClinVar:

ClinVar aggregate classification (germline): Likely benign. Review status: criteria provided, multiple submitters, no conflicts (2 of 4 stars). 2 submissions from 2 submitters: Likely benign (2). Last evaluated 2025-12-08.

Conditions:
Catecholaminergic polymorphic ventricular tachycardia 1. Also called: RYR2-Related Catecholaminergic Polymorphic Ventricular Tachycardia; VENTRICULAR TACHYCARDIA, CATECHOLAMINERGIC POLYMORPHIC, 1, WITH OR WITHOUT ATRIAL DYSFUNCTION AND/OR DILATED CARDIOMYOPATHY; VENTRICULAR TACHYCARDIA, STRESS-INDUCED POLYMORPHIC 1. Identifiers: Orphanet 3286, MedGen C1631597, MONDO:0011484, OMIM 604772.

Allele frequency attached by ClinVar (database versions not stated): gnomAD exomes below 0.00001 and 0.00001; ExAC 0.00002.
gnomAD v4.1: 6 of 1,609,428 alleles (0.00037%); highest among the groups gnomAD compares: Non-Finnish European, 0.00051%; no homozygotes.

Submissions (2):

Labcorp Genetics (formerly Invitae), Labcorp
Classification: Likely benign for Catecholaminergic polymorphic ventricular tachycardia 1. Last evaluated: 2025-12-08. Review status: criteria provided, single submitter. Criteria: Invitae Variant Classification Sherloc (09022015). Collection method: clinical testing. Allele origin: germline.

Laboratory for Molecular Medicine, Mass General Brigham Personalized Medicine
Classification: Likely benign. Last evaluated: 2017-07-06. Review status: criteria provided, single submitter. Criteria: LMM Criteria. Collection method: clinical testing. Allele origin: germline. Observed: 1 variant allele.
Comment: c.232+15A>T in intron 2 of TRDN: This variant is not expected to have clinical s ignificance because it is not located within the splice consensus sequence. It has been identified in 3/110894 of European chromosomes by the Genome Aggregatio n Database (gnomAD; dbSNP rs769101414).

NM_006073.4(TRDN):c.232+15A>T

Gene: TRDN (triadin; minus strand). Cytogenetic location: 6q22.31.
Variant type: single nucleotide variant.
Coding change: c.232+15A>T on transcript NM_006073.4 (MANE Select); 15 bases into the intron after coding-DNA position 232, A replaced by T.
Molecular consequence: intron variant.
Genome position (GRCh38, 1-based): chr6:123,570,908, T>A on the plus strand (A>T on the coding strand, the complement: TRDN is on the minus strand). VCF-style: chr6-123570908-T-A. GRCh37 (hg19) VCF-style: chr6-123892053-T-A.
Other names: c.232+15A>T (NM_001251987.2, NM_001256020.2, NM_001256021.2 and 1 more transcripts).
Identifiers: ClinVar variation 517476 (VCV000517476.6), dbSNP rs769101414, ClinGen allele CA3984441.
Genomic context (GRCh38, chr6:123,570,908, plus strand): 5'-CAGGAACTGGAGGGGACACTGTTTCTTTCCATTTGAATTAATTTTAATTTTAAAGCCAAA[T>A]TTTATGGAACTTACCTGAAAAGTTTTTGTAATCCACTAAATCAAACATAACGATGGCAAC-3'